The following is an entry in ClinVar:

NM_001370259.2(MEN1):c.1311del (p.Thr438fs)

Gene: MEN1 (menin 1; minus strand). Cytogenetic location: 11q13.1.
Variant type: Deletion.
Coding change: c.1311del on transcript NM_001370259.2 (MANE Select); coding-DNA position 1311, one base deleted (C; older notation c.1311delC).
Protein change: p.Thr438fs; shifts the reading frame from threonine 438.
Molecular consequence: frameshift variant.
Genome position (GRCh38, 1-based): chr11:64,805,073, G deleted on the plus strand (C on the coding strand, the reverse complement: MEN1 is on the minus strand); the first of 2 consecutive G bases (chr11:64,805,073-64,805,074); deleting either gives the same sequence. VCF-style (leftmost placement, unchanged base first): chr11-64805072-TG-T. GRCh37 (hg19) VCF-style: chr11-64572544-TG-T.
Other names: c.1326del, p.Thr443fs (NM_000244.4, NM_130800.3, NM_130801.3 and 3 more transcripts); c.1437del, p.Thr480fs (NM_001370251.2); c.1311del, p.Thr438fs (NM_001370260.2, NM_001370261.2, NM_130799.3); c.1206del, p.Thr403fs (NM_001370262.2, NM_001370263.2); c.1311delC (NM_130799.2); short protein forms T403fs, T480fs, T438fs, T443fs.
Identifiers: ClinVar variation 650907 (VCV000650907.9), dbSNP rs1555164184, ClinGen allele CA915948603.

ClinVar aggregate classification (germline): Pathogenic (1 of 4 stars; one submission).

Conditions:
Multiple endocrine neoplasia, type 1 (MEN1). Also called: Endocrine adenomatosis multiple; MEN 1; MEA I; MEN I; WERMER SYNDROME. Identifiers: Orphanet 652, MedGen C0025267, MeSH D018761, MONDO:0007540, OMIM 131100.

Submission:

Labcorp Genetics (formerly Invitae), Labcorp
Classification: Pathogenic for Multiple endocrine neoplasia, type 1. Last evaluated: 2018-08-20. Review status: criteria provided, single submitter. Criteria: Invitae Variant Classification Sherloc (09022015). Collection method: clinical testing. Allele origin: germline.
Comment: This sequence change results in a premature translational stop signal in the MEN1 gene (p.Thr438Profs*7). While this is not anticipated to result in nonsense mediated decay, it is expected to disrupt the last 173 amino acids of the MEN1 protein. This variant is not present in population databases (ExAC no frequency). This variant has not been reported in the literature in individuals with MEN1-related disease. A different truncation (p.Arg516Glyfs*43) that lies downstream of this variant has been determined to be pathogenic (PMID: 9215689, 12112656, 17879353, 23321498). This suggests that deletion of this region of the MEN1 protein is causative of disease. For these reasons, this variant has been classified as Pathogenic.

Literature cited by the submitters: PubMed 9215689; PubMed 12112656; PubMed 17879353; PubMed 23321498.